The following is an entry in ClinVar:

ClinVar aggregate classification (germline): Uncertain significance (1 of 4 stars; one submission).

Conditions:
Hereditary cancer-predisposing syndrome. Also called: Tumor predisposition; Hereditary neoplastic syndrome; Hereditary Cancer Syndrome; Neoplastic Syndromes, Hereditary. Identifiers: Orphanet 140162, MedGen C0027672, MeSH D009386, MONDO:0015356.

Submission:

Ambry Genetics
Classification: Uncertain significance for Hereditary cancer-predisposing syndrome. Last evaluated: 2025-04-21. Review status: criteria provided, single submitter. Criteria: Ambry Variant Classification Scheme 2023. Collection method: clinical testing. Allele origin: germline.
Comment: The p.I206N variant (also known as c.617T>A), located in coding exon 6 of the PRKAR1A gene, results from a T to A substitution at nucleotide position 617. The isoleucine at codon 206 is replaced by asparagine, an amino acid with dissimilar properties. This amino acid position is conserved. In addition, this alteration is predicted to be deleterious by in silico analysis. Based on the available evidence, the clinical significance of this variant remains unclear.

NM_002734.5(PRKAR1A):c.617T>A (p.Ile206Asn)

Gene: PRKAR1A (protein kinase cAMP-dependent type I regulatory subunit alpha; plus strand). Cytogenetic location: 17q24.2.
Variant type: single nucleotide variant.
Coding change: c.617T>A on transcript NM_002734.5 (MANE Select); coding-DNA position 617, T replaced by A.
Protein change: p.Ile206Asn; replaces isoleucine 206 with asparagine.
Molecular consequence: missense variant.
Genome position (GRCh38, 1-based): chr17:68,525,821, T>A. VCF-style: chr17-68525821-T-A. GRCh37 (hg19) VCF-style: chr17-66521962-T-A.
Other names: c.617T>A, p.Ile206Asn (NM_001276289.2, NM_001276290.1, NM_001278433.2 and 4 more transcripts); short protein forms I206N.
Identifiers: ClinVar variation 3938094 (VCV003938094.1).